The following is an entry in ClinVar:

NM_001377.3(DYNC2H1):c.1678C>T (p.Arg560Ter)

Gene: DYNC2H1 (dynein cytoplasmic 2 heavy chain 1; plus strand). Cytogenetic location: 11q22.3.
Variant type: single nucleotide variant.
Coding change: c.1678C>T on transcript NM_001377.3 (MANE Select); coding-DNA position 1678, C replaced by T.
Protein change: p.Arg560Ter; replaces arginine 560 with a stop codon.
Molecular consequence: nonsense.
Genome position (GRCh38, 1-based): chr11:103,125,116, C>T. VCF-style: chr11-103125116-C-T. GRCh37 (hg19) VCF-style: chr11-102995845-C-T.
Other names: c.1678C>T, p.Arg560Ter (NM_001080463.2); short protein forms R560*.
Identifiers: ClinVar variation 2895787 (VCV002895787.4), dbSNP rs925675970, ClinGen allele CA227402471.

ClinVar aggregate classification (germline): Pathogenic. Review status: criteria provided, multiple submitters, no conflicts (2 of 4 stars). 2 submissions from 2 submitters: Pathogenic (2). Last evaluated 2024-10-14.

Conditions:
Jeune thoracic dystrophy. Also called: Jeune syndrome; Infantile thoracic dystrophy; Thoracic pelvic phalangeal dystrophy; Jeune's syndrome; Chondroectodermal dysplasia-like syndrome; Short-rib thoracic dysplasia. Identifiers: Orphanet 474, MedGen C0265275, MONDO:0018770.
Asphyxiating thoracic dystrophy 3. Also called: SHORT-RIB THORACIC DYSPLASIA 3 WITH OR WITHOUT POLYDACTYLY; POLYDACTYLY WITH NEONATAL CHONDRODYSTROPHY, TYPE I; SHORT-RIB THORACIC DYSPLASIA 3/6 WITH POLYDACTYLY, DIGENIC; Short rib polydactyly syndrome 2B; Saldino-Noonan Syndrome. Identifiers: Orphanet 474, Orphanet 93269, Orphanet 93270, Orphanet 93271, MedGen C0036069, MONDO:0013127, OMIM 613091.

Allele frequency attached by ClinVar (database versions not stated): gnomAD 0.00001; TOPMed 0.00001.
gnomAD v4.1: 7 of 1,612,116 alleles (0.00043%); highest among the groups gnomAD compares: Non-Finnish European, 0.00059%; no homozygotes.

Submissions (2):

Labcorp Genetics (formerly Invitae), Labcorp
Classification: Pathogenic for Jeune thoracic dystrophy. Last evaluated: 2024-10-14. Review status: criteria provided, single submitter. Criteria: Invitae Variant Classification Sherloc (09022015). Collection method: clinical testing. Allele origin: germline.
Comment: This sequence change creates a premature translational stop signal (p.Arg560*) in the DYNC2H1 gene. It is expected to result in an absent or disrupted protein product. Loss-of-function variants in DYNC2H1 are known to be pathogenic (PMID: 23339108, 32753734, 33755199). This variant is present in population databases (no rsID available, gnomAD 0.007%). This variant has not been reported in the literature in individuals affected with DYNC2H1-related conditions. For these reasons, this variant has been classified as Pathogenic.

Myriad Genetics, Inc.
Classification: Pathogenic for Asphyxiating thoracic dystrophy 3. Last evaluated: 2024-07-09. Review status: criteria provided, single submitter. Criteria: Myriad Autosomal Dominant, Autosomal Recessive and X-Linked Classification Criteria (2023). Collection method: clinical testing. Allele origin: unknown.
Comment: NM_001377.2(DYNC2H1):c.1678C>T(R560*) is expected to be pathogenic in the context of DYNC2H1-related disorders. This variant is predicted to lead to an abnormal or absent protein product due to the creation of a premature termination codon in DYNC2H1, a gene where loss-of-function variants are known to be pathogenic. Please note: this variant was assessed in the context of healthy population screening.

Literature cited by the submitters: PubMed 23339108 (cited by Labcorp Genetics (formerly Invitae), Labcorp); PubMed 32753734 (cited by Labcorp Genetics (formerly Invitae), Labcorp); PubMed 33755199 (cited by Labcorp Genetics (formerly Invitae), Labcorp).